The following is an entry in ClinVar:

NM_004415.4(DSP):c.4710G>A (p.Lys1570=)

Gene: DSP (desmoplakin; plus strand). Cytogenetic location: 6p24.3.
Variant type: single nucleotide variant.
Coding change: c.4710G>A on transcript NM_004415.4 (MANE Select); coding-DNA position 4710, G replaced by A.
Protein change: p.Lys1570=; no amino-acid change (lysine 1570 retained).
Molecular consequence: synonymous variant. On other transcripts: intron variant (2).
Genome position (GRCh38, 1-based): chr6:7,580,900, G>A. VCF-style: chr6-7580900-G-A. GRCh37 (hg19) VCF-style: chr6-7581133-G-A.
Other names: c.4050+660G>A (NM_001319034.2); c.3582+1128G>A (NM_001008844.3).
Identifiers: ClinVar variation 3386682 (VCV003386682.1).

ClinVar aggregate classification (germline): Likely benign (1 of 4 stars; one submission).

Conditions:
Arrhythmogenic cardiomyopathy with wooly hair and keratoderma. Also called: Carvajal syndrome; PALMOPLANTAR KERATODERMA WITH LEFT VENTRICULAR CARDIOMYOPATHY AND WOOLLY HAIR; Dilated cardiomyopathy with woolly hair and keratoderma; Arrhythmogenic cardiomyopathy with woolly hair and keratoderma. Identifiers: Orphanet 65282, MedGen C1854063, MONDO:0011581, OMIM 605676.

gnomAD v4.1: 1 of 1,614,194 alleles (0.000062%); highest among the groups gnomAD compares: Non-Finnish European, 0.000085%; no homozygotes.

Submission:

All of Us Research Program, National Institutes of Health
Classification: Likely benign for Arrhythmogenic cardiomyopathy with wooly hair and keratoderma. Last evaluated: 2024-07-20. Review status: criteria provided, single submitter. Criteria: ACMG Guidelines, 2015. Collection method: clinical testing. Allele origin: germline. Inheritance: Autosomal dominant inheritance. Observed: 1 variant allele, 1 heterozygote.
Comment: This study involves interpretation of variants in research participants for the purpose of population health screening. Participant phenotype was not available at the time of variant classification. Additional details can be found in publication PMID: 35346344, PMCID: PMC8962531